The following is an entry in ClinVar:

NM_032217.5(ANKRD17):c.5329G>A (p.Gly1777Ser)

Gene: ANKRD17 (ankyrin repeat domain 17; minus strand). Cytogenetic location: 4q13.3.
Variant type: single nucleotide variant.
Coding change: c.5329G>A on transcript NM_032217.5 (MANE Select); coding-DNA position 5329, G replaced by A.
Protein change: p.Gly1777Ser; replaces glycine 1777 with serine.
Molecular consequence: missense variant.
Genome position (GRCh38, 1-based): chr4:73,092,299, C>T on the plus strand (G>A on the coding strand, the complement: ANKRD17 is on the minus strand). VCF-style: chr4-73092299-C-T. GRCh37 (hg19) VCF-style: chr4-73958016-C-T.
Other names: c.4990G>A, p.Gly1664Ser (NM_001286771.3); c.5326G>A, p.Gly1776Ser (NM_015574.2); c.4576G>A, p.Gly1526Ser (NM_198889.3); short protein forms G1526S, G1664S, G1776S, G1777S.
Identifiers: ClinVar variation 3364648 (VCV003364648.2).

ClinVar aggregate classification (germline): Uncertain significance (1 of 4 stars; one submission).

Submission:

GeneDx
Classification: Uncertain significance. Last evaluated: 2025-05-13. Review status: criteria provided, single submitter. Criteria: GeneDx Variant Classification Process June 2021. Collection method: clinical testing. Allele origin: germline.
Comment: Not observed at significant frequency in large population cohorts (gnomAD); In silico analysis supports that this missense variant has a deleterious effect on protein structure/function; Has not been previously published as pathogenic or benign to our knowledge